The following is an entry in ClinVar:

NM_152443.3(RDH12):c.295C>A (p.Leu99Ile)

Genes: GPHN (gephyrin; plus strand), RDH12 (retinol dehydrogenase 12; plus strand). Cytogenetic location: 14q24.1.
Variant type: single nucleotide variant.
Coding change: c.295C>A on transcript NM_152443.3 (MANE Select); coding-DNA position 295, C replaced by A.
Protein change: p.Leu99Ile; replaces leucine 99 with isoleucine.
Molecular consequence: missense variant.
Genome position (GRCh38, 1-based): chr14:67,725,206, C>A. VCF-style: chr14-67725206-C-A. GRCh37 (hg19) VCF-style: chr14-68191923-C-A.
Other names: short protein forms L99I.
Identifiers: ClinVar variation 2055 (VCV000002055.54), dbSNP rs28940315, ClinGen allele CA252088.

ClinVar aggregate classification (germline): Pathogenic/Likely pathogenic. Review status: criteria provided, multiple submitters, no conflicts (2 of 4 stars). 21 submissions from 20 submitters: Pathogenic (15); Likely pathogenic (2). 4 of the submissions do not count toward it. Last evaluated 2026-09-01.

Conditions:
RDH12-related disorder. Also called: RDH12-related disorders; RDH12-related condition.
Retinal dystrophy. Also called: Inherited retinal dystrophy. Identifiers: Orphanet 71862, MedGen C0854723, MeSH D058499, MONDO:0019118, HP:0000556.
Retinitis pigmentosa (RP). Identifiers: Orphanet 791, MedGen C0035334, MeSH D012174, MONDO:0019200, OMIM 268000. Inheritance: Autosomal dominant, autosomal recessive and X linked inheritance.
Leber congenital amaurosis (LCA). Also called: Leber's amaurosis. Identifiers: Orphanet 65, MedGen C0339527, MeSH D057130, MONDO:0018998.
Leber congenital amaurosis 13 (LCA13). Identifiers: MedGen C2675186, MONDO:0012990, OMIM 612712.

Allele frequency attached by ClinVar (database versions not stated): TOPMed 0.00003; gnomAD 0.00004; ExAC 0.00007; 1000 Genomes Project 30x 0.00047; gnomAD exomes 0.00006; 1000 Genomes Project 0.00040.
gnomAD v4.1: 41 of 1,614,048 alleles (0.0025%); highest among the groups gnomAD compares: Admixed American, 0.027%; no homozygotes.

Submissions 1 to 12 of 21:

PreventionGenetics, part of Exact Sciences
Classification: Pathogenic for RDH12-related condition. Last evaluated: 2026-09-01. Review status: criteria provided, single submitter. Criteria: ACMG Guidelines, 2015. Collection method: clinical testing. Allele origin: germline.
Comment: The RDH12 c.295C>A variant is predicted to result in the amino acid substitution p.Leu99Ile. This variant has been reported to segregate with disease in two individuals who carried an additional variant in RDH12; both individuals presented with autosomal recessive Leber congenital amaurosis (Perrault et al. 2004. PubMed ID: 15322982). This variant has also been reported in families presenting with autosomal recessive early cone-rod dystrophy, Leber congenital amaurosis, or retinitis pigmentosa (Bravo-Gil et al. 2016. PubMed ID: 27032803; Chacon-Camacho et al. 2013. PubMed ID: 23900199) and was also documented in the homozygous state in an individual who presented with autosomal recessive retinitis pigmentosa (Ge et al. 2015. PubMed ID: 26667666). This variant is reported in 0.034% of alleles in individuals of Latino descent in gnomAD. This variant is interpreted as pathogenic.

Labcorp Genetics (formerly Invitae), Labcorp
Classification: Pathogenic for Leber congenital amaurosis 13. Last evaluated: 2026-01-26. Review status: criteria provided, single submitter. Criteria: Invitae Variant Classification Sherloc (09022015). Collection method: clinical testing. Allele origin: germline.
Comment: This sequence change replaces leucine, which is neutral and non-polar, with isoleucine, which is neutral and non-polar, at codon 99 of the RDH12 protein (p.Leu99Ile). This variant is present in population databases (rs28940315, gnomAD 0.04%). This missense change has been observed in individuals with autosomal recessive Leber congenital amaurosis, early-onset retinal degeneration and/or retinal dystrophy (PMID: 15322982, 22065924, 24474277, 26306921). It has also been observed to segregate with disease in related individuals. ClinVar contains an entry for this variant (Variation ID: 2055). Invitae Evidence Modeling of protein sequence and biophysical properties (such as structural, functional, and spatial information, amino acid conservation, physicochemical variation, residue mobility, and thermodynamic stability) has been performed for this missense variant. However, the output from this modeling did not meet the statistical confidence thresholds required to predict the impact of this variant on RDH12 protein function. Experimental studies have shown that this missense change affects RDH12 function (PMID: 16269441). For these reasons, this variant has been classified as Pathogenic.

GeneDx
Classification: Pathogenic. Last evaluated: 2025-11-07. Review status: criteria provided, single submitter. Criteria: GeneDx Variant Classification Process June 2021. Collection method: clinical testing. Allele origin: germline. Affected: yes.
Comment: Published functional studies demonstrate a damaging effect: reduced ability to convert all-trans retinal to all-trans retinol in the presence of NADPH, with roughly 10% catalytic activity compared to wild type (PMID: 16269441); In silico analysis suggests that this missense variant does not alter protein structure/function; This variant is associated with the following publications: (PMID: 27032803, 27596865, 31814694, 26667666, 39693083, 32141364, 23900199, 22995991, 15322982, 22065924, 21151602, 24474277, 26306921, 26261414, 19011012, 16269441, 31456290, 32036094, 31589614, 32865313, 34448047, 31964843, 36460718, 36087940, 36819107, 37217489, 38219857, 39333430, 38892339, 36995812, 32014858, 28513254, 37714431, 31736247)

Natera, Inc.
Classification: Pathogenic for Leber congenital amaurosis. Last evaluated: 2025-09-15. Review status: criteria provided, single submitter. Criteria: Natera Variant Classification Schema (03/2026). Collection method: clinical testing. Allele origin: germline.
Comment: The c.295C>A variant in RDH12 is a missense variant predicted to cause substitution of leucine to isoleucine at amino acid 99. This variant is rare in the general population with a frequency below the threshold expected for the associated phenotype(s). This variant has been observed in one or more individuals affected with the associated recessive disease, as either homozygous or compound heterozygous with a second variant (PMID: 26306921, 19011012). Computational prediction algorithms indicate this variant is likely to affect gene or protein function. Given the available evidence, this variant is classified as Pathogenic.

Dasa
Classification: Pathogenic. Last evaluated: 2025-06-27. Review status: criteria provided, single submitter. Criteria: DASA Assertion Criteria. Collection method: clinical testing. Allele origin: germline.
Comment: NM_152443.3(RDH12):c.295C>A (p.Leu99Ile) is a missense variant that results in the substitution of leucine with isoleucine. Segregation data support an association with disease in the reported family/families (PMID: 15322982). This variant has been recurrently observed in individuals with RDH12-related disorders (PMID: 16269441; PMID: 15322982; PMID: 31736247; PMID: 31814694). Functional evidence supports an impact on the gene or gene product (PMID: 16269441; PMID: 15322982; PMID: 31736247; PMID: 31814694). Also, this variant is rare in population databases. Based on the currently available evidence, this variant is classified as pathogenic.

Blueprint Genetics
Classification: Pathogenic for RDH12-related disorders. Last evaluated: 2024-11-18. Review status: criteria provided, single submitter. Criteria: ACMG Guidelines, 2015. Collection method: clinical testing. Allele origin: germline. Affected: yes. Observed: 5 variant alleles.

CeGaT Center for Human Genetics Tuebingen
Classification: Pathogenic. Last evaluated: 2024-09-01. Review status: criteria provided, single submitter. Criteria: CeGaT Center For Human Genetics Tuebingen Variant Classification Criteria Version 2. Collection method: clinical testing. Allele origin: germline. Affected: yes. Observed: 1 variant allele.
Comment: RDH12: PM3:Very Strong, PP1:Strong, PM2, PS3:Supporting

Fulgent Genetics
Classification: Pathogenic for Leber congenital amaurosis 13. Last evaluated: 2024-04-19. Review status: criteria provided, single submitter. Criteria: ACMG Guidelines, 2015. Collection method: clinical testing. Allele origin: germline.

Dept Of Ophthalmology, Nagoya University
Classification: Likely pathogenic for Retinal dystrophy. Last evaluated: 2023-10-01. Review status: criteria provided, single submitter. Criteria: Submitter's publication. Collection method: research. Allele origin: germline. Affected: yes.

Women's Health and Genetics/Laboratory Corporation of America, LabCorp
Classification: Pathogenic for Leber congenital amaurosis. Last evaluated: 2022-06-02. Review status: criteria provided, single submitter. Criteria: LabCorp Variant Classification Summary - May 2015. Collection method: clinical testing. Allele origin: germline.
Comment: Variant summary: RDH12 c.295C>A (p.Leu99Ile) results in a conservative amino acid change in the encoded protein sequence. Four of five in-silico tools predict a damaging effect of the variant on protein function. The variant allele was found at a frequency of 6.4e-05 in 251488 control chromosomes. This frequency is not significantly higher than expected for a pathogenic variant in RDH12 causing Leber Congenital Amaurosis (6.4e-05 vs 0.0016), allowing no conclusion about variant significance. c.295C>A has been reported in the literature in multiple individuals affected with retinal diseases. These data indicate that the variant is very likely to be associated with disease. Ten clinical diagnostic laboratories have submitted clinical-significance assessments for this variant to ClinVar after 2014 without evidence for independent evaluation. All laboratories classified the variant as pathogenic. Based on the evidence outlined above, the variant was classified as pathogenic.

3billion
Classification: Pathogenic for Leber congenital amaurosis 13. Last evaluated: 2022-01-03. Review status: criteria provided, single submitter. Criteria: ACMG Guidelines, 2015. Collection method: clinical testing. Allele origin: germline. Affected: yes. Observed: 1 heterozygote.
Comment: Same nucleotide change resulting in same amino acid change has been previously reported as pathogenic/likely pathogenic with strong evidence (ClinVar ID: VCV000002055, PMID:15322982, PS1_S). The variant has been reported to be in trans with a pathogenic variant as either compound heterozygous or homozygous in at least one similarly affected unrelated individual (PMID: 15322982, 27032803, PM3_M). The variant was co-segregated with Leber congenital amaurosis 13 in multiple affected family members (PMID: 15322982, 27032803, PP1_P). In silico tool predictions suggest damaging effect of the variant on gene or gene product (REVEL: 0.676, 3CNET: 0.93, PP3_P). A missense variant is a common mechanism associated with Leber congenital amaurosis 13 (PP2_P). It is observed at an extremely low frequency in the gnomAD v2.1.1 dataset (total allele frequency: 0.000060, PM2_M). Therefore, this variant is classified as pathogenic according to the recommendation of ACMG/AMP guideline.

MGZ Medical Genetics Center
Classification: Likely pathogenic for Leber congenital amaurosis 13. Last evaluated: 2021-10-06. Review status: criteria provided, single submitter. Criteria: ACMG Guidelines, 2015. Collection method: clinical testing. Allele origin: germline. Affected: yes. Observed: 1 variant allele.
Comment: ACMG criteria applied: PS3, PM3, PM2_SUP, PP1, PP3